The following is an entry in ClinVar:

NM_000690.4(ALDH2):c.564G>A (p.Pro188=)

Gene: ALDH2 (aldehyde dehydrogenase 2 family member; plus strand). Cytogenetic location: 12q24.12.
Variant type: single nucleotide variant.
Coding change: c.564G>A on transcript NM_000690.4 (MANE Select); coding-DNA position 564, G replaced by A.
Protein change: p.Pro188=; no amino-acid change (proline 188 retained).
Molecular consequence: synonymous variant.
Genome position (GRCh38, 1-based): chr12:111,790,445, G>A. VCF-style: chr12-111790445-G-A. GRCh37 (hg19) VCF-style: chr12-112228249-G-A.
Other names: c.423G>A, p.Pro141= (NM_001204889.2).
Identifiers: ClinVar variation 3035849 (VCV003035849.2), dbSNP rs58280059, ClinGen allele CA6792954.

ClinVar aggregate classification (germline): Benign (0 of 4 stars; one submission).

Conditions:
ALDH2-related disorder. Also called: ALDH2-related condition.

Allele frequency attached by ClinVar (database versions not stated): 1000 Genomes Project 30x 0.00016; 1000 Genomes Project 0.00020; ESP Exome Variant Server 0.00031; gnomAD exomes 0.00045; gnomAD 0.00057; TOPMed 0.00060; ExAC 0.00061.
gnomAD v4.1: 790 of 1,614,090 alleles (0.049%); highest among the groups gnomAD compares: Middle Eastern, 0.016%; 6 homozygotes.

Submission:

PreventionGenetics, part of Exact Sciences
Classification: Benign for ALDH2-related condition. Last evaluated: 2019-07-29. Review status: no assertion criteria provided. Collection method: clinical testing. Allele origin: germline.
Comment: This variant is classified as benign based on ACMG/AMP sequence variant interpretation guidelines (Richards et al. 2015 PMID: 25741868, with internal and published modifications).